The following is an entry in ClinVar:

ClinVar aggregate classification (germline): Uncertain significance (1 of 4 stars; one submission).

Submission:

Labcorp Genetics (formerly Invitae), Labcorp
Classification: Uncertain significance. Last evaluated: 2023-12-21. Review status: criteria provided, single submitter. Criteria: Invitae Variant Classification Sherloc (09022015). Collection method: clinical testing. Allele origin: germline.
Comment: This sequence change replaces valine, which is neutral and non-polar, with methionine, which is neutral and non-polar, at codon 1352 of the RUSC2 protein (p.Val1352Met). This variant is not present in population databases (gnomAD no frequency). This variant has not been reported in the literature in individuals affected with RUSC2-related conditions. An algorithm developed to predict the effect of missense changes on protein structure and function (PolyPhen-2) suggests that this variant is likely to be disruptive. In summary, the available evidence is currently insufficient to determine the role of this variant in disease. Therefore, it has been classified as a Variant of Uncertain Significance.

NM_014806.5(RUSC2):c.4054G>A (p.Val1352Met)

Gene: RUSC2 (RUN and SH3 domain containing 2; plus strand). Cytogenetic location: 9p13.3.
Variant type: single nucleotide variant.
Coding change: c.4054G>A on transcript NM_014806.5 (MANE Select); coding-DNA position 4054, G replaced by A.
Protein change: p.Val1352Met; replaces valine 1352 with methionine.
Molecular consequence: missense variant. On other transcripts: non-coding transcript variant (1).
Genome position (GRCh38, 1-based): chr9:35,560,694, G>A. VCF-style: chr9-35560694-G-A. GRCh37 (hg19) VCF-style: chr9-35560691-G-A.
Other names: c.4054G>A, p.Val1352Met (NM_001135999.2); c.1420G>A, p.Val474Met (NM_001330740.2); short protein forms V1352M, V474M.
Identifiers: ClinVar variation 2699038 (VCV002699038.3), dbSNP rs2490418095, ClinGen allele CA373356246.